The following is an entry in ClinVar:

ClinVar aggregate classification (germline): Pathogenic. Review status: criteria provided, single submitter (1 of 4 stars). 2 submissions from 2 submitters: Pathogenic (1). 1 of the submissions does not count toward it. Last evaluated 2024-05-31.

Conditions:
Leber congenital amaurosis (LCA). Also called: Leber's amaurosis. Identifiers: Orphanet 65, MedGen C0339527, MeSH D057130, MONDO:0018998.

Allele frequency attached by ClinVar (database versions not stated): gnomAD 0.00004 and 0.00003; gnomAD exomes below 0.00001; TOPMed below 0.00001.

Submissions (2):

Labcorp Genetics (formerly Invitae), Labcorp
Classification: Pathogenic. Last evaluated: 2024-05-31. Review status: criteria provided, single submitter. Criteria: Invitae Variant Classification Sherloc (09022015). Collection method: clinical testing. Allele origin: germline.
Comment: This sequence change creates a premature translational stop signal (p.Ser712*) in the USH2A gene. It is expected to result in an absent or disrupted protein product. Loss-of-function variants in USH2A are known to be pathogenic (PMID: 10729113, 10909849, 20507924, 25649381). This variant is present in population databases (no rsID available, gnomAD 0.003%). This premature translational stop signal has been observed in individual(s) with USH2A-related conditions (PMID: 16098008, 30870047). ClinVar contains an entry for this variant (Variation ID: 559525). For these reasons, this variant has been classified as Pathogenic.

Cytogenetics and Genomics Laboratory, Medical University of South Carolina
Classification: Uncertain significance for Leber congenital amaurosis. Last evaluated: 2018-06-01. Review status: flagged submission. Criteria: ACMG Guidelines, 2015. Collection method: research. Allele origin: unknown. Affected: yes. Observed: 1 variant allele. Not counted in ClinVar's aggregate classification.
ClinVar note: Reason: Older claim that does not account for recent evidence

Literature cited by the submitters: PubMed 10729113 (cited by Labcorp Genetics (formerly Invitae), Labcorp); PubMed 10909849 (cited by Labcorp Genetics (formerly Invitae), Labcorp); PubMed 20507924 (cited by Labcorp Genetics (formerly Invitae), Labcorp); PubMed 25649381 (cited by Labcorp Genetics (formerly Invitae), Labcorp); PubMed 16098008 (cited by Labcorp Genetics (formerly Invitae), Labcorp); PubMed 30870047 (cited by Labcorp Genetics (formerly Invitae), Labcorp).

NM_206933.4(USH2A):c.2135del (p.Asn711_Ser712insTer)

Gene: USH2A (usherin; minus strand). Cytogenetic location: 1q41.
Variant type: Deletion.
Coding change: c.2135del on transcript NM_206933.4 (MANE Select); coding-DNA position 2135, one base deleted (C; older notation c.2135delC).
Protein change: p.Asn711_Ser712insTer.
Molecular consequence: nonsense.
Genome position (GRCh38, 1-based): chr1:216,250,935, G deleted on the plus strand (C on the coding strand, the reverse complement: USH2A is on the minus strand). VCF-style (leftmost placement, unchanged base first): chr1-216250934-TG-T. GRCh37 (hg19) VCF-style: chr1-216424276-TG-T.
Other names: c.2135del, p.Asn711_Ser712insTer (NM_007123.6).
Identifiers: ClinVar variation 559525 (VCV000559525.4), dbSNP rs1238314101, ClinGen allele CA529002742.